The following is an entry in ClinVar:

NM_001005242.3(PKP2):c.979G>T (p.Gly327Trp)

Gene: PKP2 (plakophilin 2; minus strand). Cytogenetic location: 12p11.21.
Variant type: single nucleotide variant.
Coding change: c.979G>T on transcript NM_001005242.3 (MANE Select); coding-DNA position 979, G replaced by T.
Protein change: p.Gly327Trp; replaces glycine 327 with tryptophan.
Molecular consequence: missense variant.
Genome position (GRCh38, 1-based): chr12:32,877,901, C>A on the plus strand (G>T on the coding strand, the complement: PKP2 is on the minus strand). VCF-style: chr12-32877901-C-A. GRCh37 (hg19) VCF-style: chr12-33030835-C-A.
Other names: c.979G>T, p.Gly327Trp (NM_004572.4); short protein forms G327W.
Identifiers: ClinVar variation 925000 (VCV000925000.5), dbSNP rs1956945922, ClinGen allele CA384361833.

ClinVar aggregate classification (germline): Uncertain significance (1 of 4 stars; one submission).

Conditions:
Cardiomyopathy (CMYO). Also called: Cardiomyopathies. Identifiers: Orphanet 167848, MedGen C0878544, MONDO:0004994, HP:0001638. Inheritance: Various modes of inheritance.

Allele frequency attached by ClinVar (database versions not stated): TOPMed below 0.00001.

Submission:

Color Diagnostics, LLC DBA Color Health
Classification: Uncertain significance for Cardiomyopathy. Last evaluated: 2023-12-05. Review status: criteria provided, single submitter. Criteria: ACMG Guidelines, 2015. Collection method: clinical testing. Allele origin: germline.
Comment: This missense variant replaces glycine with tryptophan at codon 327 of the PKP2 protein. Computational prediction tools and conservation analyses are inconclusive regarding the impact of this variant on the protein function. Computational splicing tools suggest that this variant may not impact RNA splicing. To our knowledge, functional assays have not been performed for this variant nor has this variant been reported in individuals affected with cardiovascular disorders in the literature. This variant has not been identified in the general population by the Genome Aggregation Database (gnomAD). Available evidence is insufficient to determine the role of this variant in disease conclusively. Therefore, this variant is classified as a Variant of Uncertain Significance.